The following is an entry in ClinVar:

ClinVar aggregate classification (germline): Likely benign. Review status: criteria provided, multiple submitters, no conflicts (2 of 4 stars). 3 submissions from 3 submitters: Likely benign (3). Last evaluated 2025-12-31.

Conditions:
CACNA1C-related disorder. Also called: CACNA1C-related disorders; CACNA1C-related condition. Identifiers: MedGen CN381092, MONDO:0700321.
Long QT syndrome (LQTS). Identifiers: MedGen C0023976, MeSH D008133, MONDO:0002442. Disease mechanism: loss of function. Inheritance: Various modes of inheritance.

Allele frequency attached by ClinVar (database versions not stated): gnomAD exomes below 0.00001 and 0.00001; ExAC 0.00001; TOPMed 0.00001.
gnomAD v4.1: 2 of 1,611,384 alleles (0.00012%); highest among the groups gnomAD compares: Admixed American, 0.0017%; no homozygotes.

Submissions (3):

Labcorp Genetics (formerly Invitae), Labcorp
Classification: Likely benign for Long QT syndrome. Last evaluated: 2025-12-31. Review status: criteria provided, single submitter. Criteria: Invitae Variant Classification Sherloc (09022015). Collection method: clinical testing. Allele origin: germline.

PreventionGenetics, part of Exact Sciences
Classification: Likely benign for CACNA1C-related condition. Last evaluated: 2024-11-08. Review status: criteria provided, single submitter. Criteria: ACMG Guidelines, 2015. Collection method: clinical testing. Allele origin: germline.
Comment: This variant is classified as likely benign based on ACMG/AMP sequence variant interpretation guidelines (Richards et al. 2015 PMID: 25741868, with internal and published modifications).

Blueprint Genetics
Classification: Likely benign. Last evaluated: 2022-12-02. Review status: criteria provided, single submitter. Criteria: ACMG Guidelines, 2015. Collection method: clinical testing. Allele origin: germline.

NM_000719.7(CACNA1C):c.5352C>T (p.Tyr1784=)

Genes: CACNA1C (calcium voltage-gated channel subunit alpha1 C; plus strand), CACNA1C-AS1 (CACNA1C antisense RNA 1; minus strand). Cytogenetic location: 12p13.33.
Variant type: single nucleotide variant.
Coding change: c.5352C>T on transcript NM_000719.7 (MANE Select); coding-DNA position 5352, C replaced by T.
Protein change: p.Tyr1784=; no amino-acid change (tyrosine 1784 retained).
Molecular consequence: synonymous variant.
Genome position (GRCh38, 1-based): chr12:2,679,704, C>T. VCF-style: chr12-2679704-C-T. GRCh37 (hg19) VCF-style: chr12-2788870-C-T.
Other names: c.5496C>T, p.Tyr1832= (NM_001129827.2, NM_199460.4); c.5475C>T, p.Tyr1825= (NM_001129829.2); c.5352C>T, p.Tyr1784= (NM_001129830.3, NM_001129840.2, NM_001129841.2 and 4 more transcripts); c.5436C>T, p.Tyr1812= (NM_001129831.2); c.5412C>T, p.Tyr1804= (NM_001129832.2); c.5409C>T, p.Tyr1803= (NM_001129833.2, NM_001129834.2, NM_001129835.2); c.5403C>T, p.Tyr1801= (NM_001129836.2); c.5376C>T, p.Tyr1792= (NM_001129837.2, NM_001129838.2); and 4 more.
Identifiers: ClinVar variation 1565501 (VCV001565501.10), dbSNP rs753051498, ClinGen allele CA6389762.